The following is an entry in ClinVar:

NC_000003.12:g.169764783G>A

Genes: TERC (telomerase RNA component; minus strand), LOC110806306 (telomerase RNA component (TERC) promoter; plus strand). Cytogenetic location: 3q26.2.
Variant type: single nucleotide variant.
Genome position: GRCh38 VCF-style: chr3-169764783-G-A. GRCh37 (hg19) VCF-style: chr3-169482571-G-A.
Identifiers: ClinVar variation 959523 (VCV000959523.10), dbSNP rs1777960566, ClinGen allele CA436715180.
Genomic context (GRCh38, chr3:169,764,783, plus strand): 5'-GCCCCCGAGAGACCCGCGGCTGACAGAGCCCAACTCTTCGCGGTGGCAGTGGGTGCCTCC[G>A]GAGAAGCCCCGGGCCGACCGCGGCCTCCAGGCGGGGTTCGGGGGCTGGGCAGGCGACCCG-3'

ClinVar aggregate classification (germline): Uncertain significance (1 of 4 stars; one submission).

Conditions:
Dyskeratosis congenita, autosomal dominant 1 (DKCA1). Also called: Dyskeratosis congenita Scoggins type. Identifiers: Orphanet 1775, MedGen C4551974, MONDO:0007485, OMIM 127550. Inheritance: Variable.

Submission:

Labcorp Genetics (formerly Invitae), Labcorp
Classification: Uncertain significance for Dyskeratosis congenita, autosomal dominant 1. Last evaluated: 2022-01-15. Review status: criteria provided, single submitter. Criteria: Invitae Variant Classification Sherloc (09022015). Collection method: clinical testing. Allele origin: germline.
Comment: In summary, the available evidence is currently insufficient to determine the role of this variant in disease. Therefore, it has been classified as a Variant of Uncertain Significance. This variant is located within the conserved regions 4 and 5 (CR4-CR5) domain of the TERC RNA component, which is required for telomerase activity (PMID: 15082312, 21844345). ClinVar contains an entry for this variant (Variation ID: 959523). This variant has not been reported in the literature in individuals affected with TERC-related conditions. This variant is not present in population databases (gnomAD no frequency). This variant occurs in the TERC gene, which encodes an RNA molecule that does not result in a protein product.

Literature cited by the submitters: PubMed 15082312; PubMed 21844345.